The following is an entry in ClinVar:

NM_033305.3(VPS13A):c.9382T>C (p.Leu3128=)

Gene: VPS13A (vacuolar protein sorting 13 homolog A; plus strand). Cytogenetic location: 9q21.2.
Variant type: single nucleotide variant.
Coding change: c.9382T>C on transcript NM_033305.3 (MANE Select); coding-DNA position 9382, T replaced by C.
Protein change: p.Leu3128=; no amino-acid change (leucine 3128 retained).
Molecular consequence: synonymous variant.
Genome position (GRCh38, 1-based): chr9:77,405,970, T>C. VCF-style: chr9-77405970-T-C. GRCh37 (hg19) VCF-style: chr9-80020886-T-C.
Other names: p.Leu3128=; c.9265T>C, p.Leu3089= (NM_001018037.2).
Identifiers: ClinVar variation 367432 (VCV000367432.25), dbSNP rs34255276, ClinGen allele CA5094031.

ClinVar aggregate classification (germline): Benign/Likely benign. Review status: criteria provided, multiple submitters, no conflicts (2 of 4 stars). 8 submissions from 8 submitters: Benign (4); Likely benign (3). 1 of the submissions does not count toward it. Last evaluated 2026-02-04.

Conditions:
VPS13A-related neurodegenerative disease. Also called: LEVINE-CRITCHLEY SYNDROME; Chorea-acanthocytosis; ACANTHOCYTOSIS WITH NEUROLOGIC DISORDER; Choreoacanthocytosis; Choreaacanthocytosis; VPS13A Disease. Identifiers: Orphanet 2388, MedGen C0393576, MONDO:0008695, OMIM 200150.

Allele frequency attached by ClinVar (database versions not stated): 1000 Genomes Project 0.00859; 1000 Genomes Project 30x 0.00906; TOPMed 0.01686; ExAC 0.01741; gnomAD 0.01761 and 0.01788; gnomAD exomes 0.01877 and 0.02511; ESP Exome Variant Server 0.02007.
gnomAD v4.1: 39,343 of 1,613,816 alleles (2.4%); highest among the groups gnomAD compares: Non-Finnish European, 2.8%; 566 homozygotes.

Submissions (8):

Labcorp Genetics (formerly Invitae), Labcorp
Classification: Benign. Last evaluated: 2026-02-04. Review status: criteria provided, single submitter. Criteria: Invitae Variant Classification Sherloc (09022015). Collection method: clinical testing. Allele origin: germline.

Blueprint Genetics
Classification: Likely benign. Last evaluated: 2024-11-27. Review status: criteria provided, single submitter. Criteria: ACMG Guidelines, 2015. Collection method: clinical testing. Allele origin: germline.

Athena Diagnostics
Classification: Benign. Last evaluated: 2024-08-15. Review status: criteria provided, single submitter. Criteria: Athena Diagnostics Criteria. Collection method: clinical testing. Allele origin: unknown.

Mayo Clinic Laboratories, Mayo Clinic
Classification: Benign. Last evaluated: 2023-03-27. Review status: criteria provided, single submitter. Criteria: ACMG Guidelines, 2015. Collection method: clinical testing. Allele origin: germline. Observed: 25 variant alleles.
Comment: BS1, BS2, BP4, BP7

GeneDx
Classification: Likely benign. Last evaluated: 2022-10-28. Review status: criteria provided, single submitter. Criteria: GeneDx Variant Classification Process June 2021. Collection method: clinical testing. Allele origin: germline. Affected: yes.
Comment: See Variant Classification Assertion Criteria.

Illumina Laboratory Services, Illumina
Classification: Benign for VPS13A-related neurodegenerative disease. Last evaluated: 2018-01-12. Review status: criteria provided, single submitter. Criteria: ICSL Variant Classification Criteria 13 December 2019. Collection method: clinical testing. Allele origin: germline.
Comment: This variant was observed in the ICSL laboratory as part of a predisposition screen in an ostensibly healthy population. It had not been previously curated by ICSL or reported in the Human Gene Mutation Database (HGMD: prior to June 1st, 2018), and was therefore a candidate for classification through an automated scoring system. Utilizing variant allele frequency, disease prevalence and penetrance estimates, and inheritance mode, an automated score was calculated to assess if this variant is too frequent to cause the disease. Based on the score and internal cut-off values, a variant classified as benign is not then subjected to further curation. The score for this variant resulted in a classification of benign for this disease.

Breakthrough Genomics
Classification: Likely benign. Review status: criteria provided, single submitter. Criteria: ACMG Guidelines, 2015. Collection method: not provided. Allele origin: germline. Inheritance: Autosomal recessive inheritance. Affected: yes.

Natera, Inc.
Classification: Benign for Choreaacanthocytosis. Last evaluated: 2019-11-11. Review status: no assertion criteria provided. Collection method: clinical testing. Allele origin: germline. Not counted in ClinVar's aggregate classification.